The following is an entry in ClinVar:

ClinVar aggregate classification (germline): Likely benign. Review status: criteria provided, multiple submitters, no conflicts (2 of 4 stars). 2 submissions from 2 submitters: Likely benign (2). Last evaluated 2026-05-01.

Allele frequency attached by ClinVar (database versions not stated): gnomAD exomes 0.00001; ExAC 0.00002; TOPMed 0.00004; gnomAD 0.00006 and 0.00007; ESP Exome Variant Server 0.00008; 1000 Genomes Project 30x 0.00016; 1000 Genomes Project 0.00020.
gnomAD v4.1: 22 of 1,613,238 alleles (0.0014%); highest among the groups gnomAD compares: East Asian, 0.0089%; no homozygotes.

Submissions (2):

CeGaT Center for Human Genetics Tuebingen
Classification: Likely benign. Last evaluated: 2026-05-01. Review status: criteria provided, single submitter. Criteria: CeGaT Center For Human Genetics Tuebingen Variant Classification Criteria Version 2. Collection method: clinical testing. Allele origin: germline. Affected: yes. Observed: 1 variant allele.
Comment: LAMA1: BP4, BP7

Labcorp Genetics (formerly Invitae), Labcorp
Classification: Likely benign. Last evaluated: 2024-06-03. Review status: criteria provided, single submitter. Criteria: Invitae Variant Classification Sherloc (09022015). Collection method: clinical testing. Allele origin: germline.

NM_005559.4(LAMA1):c.7623C>T (p.His2541=)

Gene: LAMA1 (laminin subunit alpha 1; minus strand). Cytogenetic location: 18p11.31.
Variant type: single nucleotide variant.
Coding change: c.7623C>T on transcript NM_005559.4 (MANE Select); coding-DNA position 7623, C replaced by T.
Protein change: p.His2541=; no amino-acid change (histidine 2541 retained).
Molecular consequence: synonymous variant.
Genome position (GRCh38, 1-based): chr18:6,961,589, G>A on the plus strand (C>T on the coding strand, the complement: LAMA1 is on the minus strand). VCF-style: chr18-6961589-G-A. GRCh37 (hg19) VCF-style: chr18-6961588-G-A.
Identifiers: ClinVar variation 736835 (VCV000736835.10), dbSNP rs199744967, ClinGen allele CA8880846.